The following is an entry in ClinVar:

NM_000256.3(MYBPC3):c.1510AAG[1] (p.Lys505del)

Gene: MYBPC3 (myosin binding protein C3; minus strand). Cytogenetic location: 11p11.2.
Variant type: Microsatellite.
Coding change: c.1510AAG[1] on transcript NM_000256.3 (MANE Select); one copy of the 3-base unit AAG starting at c.1510; the reference has two copies in a row; one copy, 3 bases deleted.
Protein change: p.Lys505del; deletes lysine 505.
Molecular consequence: inframe deletion.
Genome position (GRCh38, 1-based): chr11:47,342,687-47,342,689, CTT deleted on the plus strand (AAG on the coding strand, the reverse complement: MYBPC3 is on the minus strand); deleting any 3 consecutive bases within chr11:47,342,687-47,342,692 gives the same sequence; the position shown is the placement nearest the transcript's 3' end. VCF-style (leftmost placement, unchanged base first): chr11-47342686-CCTT-C. GRCh37 (hg19) VCF-style: chr11-47364237-CCTT-C.
Other names: c.1513_1515delAAG (NM_000256.3); short protein forms K505del.
Identifiers: ClinVar variation 177699 (VCV000177699.42), dbSNP rs727504287, ClinGen allele CA010525.
Genomic context (GRCh38, chr11:47,342,686, plus strand): 5'-CATAGTGCCCCGCGTCCTCCAGCATGGCCTCGTTGATGATCAGGTGGTGTCTCTGCCCGT[CCTT>C]CTTGAACCGGTATTTGAAGGTCTCCTCCCGGGTCAGCTCCACCCCGTCCTTCAGCCTAGC-3'

ClinVar aggregate classification (germline): Likely pathogenic. Review status: criteria provided, multiple submitters, no conflicts (2 of 4 stars). 17 submissions from 17 submitters: Likely pathogenic (15). 2 of the submissions do not count toward it. Last evaluated 2026-09-01.

Conditions:
MYBPC3-related disorder. Also called: MYBPC3-related disorders; MYBPC3-related condition; MYBPC3-related disease.
Cardiovascular phenotype. Identifiers: MedGen CN230736.
Cardiomyopathy (CMYO). Also called: Cardiomyopathies. Identifiers: Orphanet 167848, MedGen C0878544, MONDO:0004994, HP:0001638. Inheritance: Various modes of inheritance.
Hypertrophic cardiomyopathy 4. Also called: Familial hypertrophic cardiomyopathy 4. Identifiers: MedGen C1861862, MONDO:0007268, OMIM 115197.
Hypertrophic cardiomyopathy. Also called: HYPERTROPHIC MYOCARDIOPATHY. Identifiers: Orphanet 217569, MedGen C0007194, MeSH D002312, MONDO:0005045, HP:0001639.

Submissions 1 to 8 of 17:

CeGaT Center for Human Genetics Tuebingen
Classification: Likely pathogenic. Last evaluated: 2026-09-01. Review status: criteria provided, single submitter. Criteria: CeGaT Center For Human Genetics Tuebingen Variant Classification Criteria Version 2. Collection method: clinical testing. Allele origin: germline. Affected: yes. Observed: 1 variant allele.
Comment: MYBPC3: PS4, PM2, PM4:Supporting, PP1

Ambry Genetics
Classification: Likely pathogenic for Cardiovascular phenotype. Last evaluated: 2026-03-11. Review status: criteria provided, single submitter. Criteria: Ambry Variant Classification Scheme 2023. Collection method: clinical testing. Allele origin: germline.
Comment: The c.1513_1515delAAG (p.K505del) alteration is located in exon 17 (coding exon 17) of the MYBPC3 gene. This alteration consists of an in-frame deletion of 3 nucleotides between nucleotide positions c.1513 and c.1515, resulting in the deletion of 1 residue. Based on data from gnomAD, this allele has an overall frequency of 0.001% (3/280658) total alleles studied. The highest observed frequency was 0.003% (1/35360) of Latino alleles. This variant was reported in individuals with features consistent with hypertrophic cardiomyopathy (HCM) (Richard, 2003; Cardim, 2005; Marsiglia, 2013; Schaefer, 2014; Alejandra Restrepo-Cordoba, 2017; Campuzano, 2017; Walsh, 2017; Field, 2022). This amino acid position is highly conserved in available vertebrate species. Based on internal structural analysis, this variant is more disruptive than known pathogenic variants (Ambry internal data). This variant is predicted to be deleterious by in silico analysis (Choi, 2012). Based on the available evidence, this alteration is classified as likely pathogenic.

Dasa
Classification: Likely pathogenic. Last evaluated: 2026-02-20. Review status: criteria provided, single submitter. Criteria: DASA Assertion Criteria. Collection method: clinical testing. Allele origin: germline.
Comment: NM_000256.3(MYBPC3):c.1513_1515del (p.Lys505del) is an in-frame deletion predicted to remove lysine at protein position 505 without shifting the reading frame. This variant has been recurrently observed in individuals with MYBPC3-related disorders (PMID: 20433692; PMID: 28771489). Segregation data support an association with disease in the reported family/families (PMID: 20433692; PMID: 28771489). Also, this variant is rare in population databases. Based on the currently available evidence, this variant is classified as likely pathogenic.

Labcorp Genetics (formerly Invitae), Labcorp
Classification: Likely pathogenic for Hypertrophic cardiomyopathy. Last evaluated: 2025-06-04. Review status: criteria provided, single submitter. Criteria: Invitae Variant Classification Sherloc (09022015). Collection method: clinical testing. Allele origin: germline.
Comment: This variant, c.1513_1515del, results in the deletion of 1 amino acid(s) of the MYBPC3 protein (p.Lys505del), but otherwise preserves the integrity of the reading frame. This variant is present in population databases (rs727504287, gnomAD 0.003%). This variant has been observed in individuals with clinical features of MYBPC3-related conditions (PMID: 12707239, 16566405, 20433692, 24093860, 24602869, 27532257, 28138913, 28255936, 30847666; internal data). This variant is also known as Del [10957-10959] (Del K504). ClinVar contains an entry for this variant (Variation ID: 177699). In summary, the currently available evidence indicates that the variant is pathogenic, but additional data are needed to prove that conclusively. Therefore, this variant has been classified as Likely Pathogenic.

CHEO Genetics Diagnostic Laboratory, Children's Hospital of Eastern Ontario
Classification: Likely pathogenic for Cardiomyopathy. Last evaluated: 2024-09-18. Review status: criteria provided, single submitter. Criteria: ACMG Guidelines, 2015. Collection method: clinical testing. Allele origin: germline. Inheritance: Autosomal dominant inheritance. Study: Canadian Open Genetics Repository.
Comment: The c.1513_1515del variant in MYBPC3 is predicted to cause an in-frame deletion of 1 amino acid at codon 505. It has also been previously reported as p.Lys504del using alternate nomenclature. It has a Grpmax Filtering Allele Frequency of 0.0003% in control populations in the Genome Aggregation Database (gnomAD). It has been previously reported in at least 15 apparently unrelated individuals with hypertrophic cardiomyopathy (HCM), dilated cardiomyopathy (DCM), and left ventricular non-compaction cardiomyopathy (LVNC) (PMID 12707239, 16566405, 20433692, 24093860, 24602869, 27532257, 32268277, 34400558, 32826072, 31006259, 30847666 and others; ClinVar database, CHEO internal data). It was reported in a compound heterozygous state in an infant with a severe form of LVNC who carried a secondary pathogenic variant in MYBPC3 (p.Pro955fs); the p.Lys505del variant was inherited from an unaffected mother, while the p.Pro955fs variant was inherited from a father with HCM (PMID 24602869). This variant has also been reported in a compound heterozygous state in two other individuals: a postmortem case of cardiac death with suspected LVNC in which the proband also carried a pathogenic MYBPC3 variant (p.Pro955Argfs*95) (PMID 33336002), and in a patient with HCM who also carried a pathogenic TNNT2 variant (p.W287*) (PMID 28771489). This variant was reported to segregate with disease in at least 3 families (PMID 20433692, ClinVar database). In silico prediction programs predict that this variant is unlikely to affect splicing. However, this prediction has not been confirmed by RNA functional studies. This variant is listed in ClinVar (VCV000177699). Based on the above information, we categorize this variant as likely pathogenic.

All of Us Research Program, National Institutes of Health
Classification: Likely pathogenic for Hypertrophic cardiomyopathy. Last evaluated: 2024-07-10. Review status: criteria provided, single submitter. Criteria: ACMG Guidelines, 2015. Collection method: clinical testing. Allele origin: germline. Inheritance: Autosomal dominant inheritance. Observed: 4 variant alleles, 4 heterozygotes.
Comment: This variant causes an in-frame deletion of one amino acid at codon 505 in the Ig-like domain C3 of the MYBPC3 protein. To our knowledge, functional studies have not been reported for this variant. This variant has been reported in over ten individuals affected with hypertrophic cardiomyopathy (PMID: 12707239, 16566405, 20433692, 24093860, 27532257, 28138913, 28771489, 31006259, 32268277, 32841044; Sabater-Molina et al 2013). It has been shown that this variant segregates with disease in three families (PMID: 20433692, 28771489; communication with an external laboratory, ClinVar SCV000203959.5). This variant has also been reported in one individual affected with left ventricular non-compaction (PMID: 24602869); in three individuals affected with dilated cardiomyopathy (PMID: 30847666, 32826072, 37904629); and in two individuals affected with sudden cardiac death (PMID: 28255936, 33336002), one of whom also carried a pathogenic truncation variant in the same gene (PMID: 33336002). This variant has been identified in 3/280658 chromosomes in the general population by the Genome Aggregation Database (gnomAD). Based on the available evidence, this variant is classified as Likely Pathogenic.

This study involves interpretation of variants in research participants for the purpose of population health screening. Participant phenotype was not available at the time of variant classification. Additional details can be found in publication PMID: 35346344, PMCID: PMC8962531

Molecular Diagnostic Laboratory for Inherited Cardiovascular Disease, Montreal Heart Institute
Classification: Likely pathogenic for Cardiovascular phenotype. Last evaluated: 2024-03-22. Review status: criteria provided, single submitter. Criteria: ACMG Guidelines, 2015. Collection method: clinical testing. Allele origin: germline. Affected: yes.
Comment: PS4_mod, PM2, PM4, PP1_mod

Color Diagnostics, LLC DBA Color Health
Classification: Likely pathogenic for Cardiomyopathy. Last evaluated: 2024-01-29. Review status: criteria provided, single submitter. Criteria: ACMG Guidelines, 2015. Collection method: clinical testing. Allele origin: germline.
Comment: This variant causes an in-frame deletion of one amino acid at codon 505 in the Ig-like domain C3 of the MYBPC3 protein. To our knowledge, functional studies have not been reported for this variant. This variant has been reported in over ten individuals affected with hypertrophic cardiomyopathy (PMID: 12707239, 16566405, 20433692, 24093860, 27532257, 28138913, 28771489, 31006259, 32268277, 32841044; Sabater-Molina et al 2013). It has been shown that this variant segregates with disease in three families (PMID: 20433692, 28771489; communication with an external laboratory, ClinVar SCV000203959.5). This variant has also been reported in one individual affected with left ventricular non-compaction (PMID: 24602869); in three individuals affected with dilated cardiomyopathy (PMID: 30847666, 32826072, 37904629); and in two individuals affected with sudden cardiac death (PMID: 28255936, 33336002), one of whom also carried a pathogenic truncation variant in the same gene (PMID: 33336002). This variant has been identified in 3/280658 chromosomes in the general population by the Genome Aggregation Database (gnomAD). Based on the available evidence, this variant is classified as Likely Pathogenic.